The following is an entry in ClinVar:

ClinVar aggregate classification (germline): Conflicting classifications of pathogenicity. Review status: criteria provided, conflicting classifications (1 of 4 stars). 3 submissions from 3 submitters: Uncertain significance (2); Likely benign (1). Last evaluated 2025-06-07.

Conditions:
Hereditary cancer-predisposing syndrome. Also called: Tumor predisposition; Neoplastic Syndromes, Hereditary; Hereditary Cancer Syndrome; Hereditary neoplastic syndrome. Identifiers: Orphanet 140162, MedGen C0027672, MeSH D009386, MONDO:0015356.
POLD1-related polyposis and colorectal cancer syndrome (CRCS10). Also called: Colorectal cancer 10; COLORECTAL CANCER, SUSCEPTIBILITY TO, ON CHROMOSOME 19q; Colorectal cancer, susceptibility to, 10. Identifiers: Orphanet 220460, MedGen C2675481, MONDO:0012953, OMIM 612591.

Allele frequency attached by ClinVar (database versions not stated): TOPMed below 0.00001.
gnomAD v4.1: 8 of 1,556,624 alleles (0.00051%); highest among the groups gnomAD compares: Non-Finnish European, 0.0007%; no homozygotes.

Submissions (3):

Ambry Genetics
Classification: Likely benign for Hereditary cancer-predisposing syndrome. Last evaluated: 2025-06-07. Review status: criteria provided, single submitter. Criteria: Ambry Variant Classification Scheme 2023. Collection method: clinical testing. Allele origin: germline.

Labcorp Genetics (formerly Invitae), Labcorp
Classification: Uncertain significance for POLD1-related polyposis and colorectal cancer syndrome. Last evaluated: 2025-01-22. Review status: criteria provided, single submitter. Criteria: Invitae Variant Classification Sherloc (09022015). Collection method: clinical testing. Allele origin: germline.
Comment: This sequence change replaces serine, which is neutral and polar, with proline, which is neutral and non-polar, at codon 60 of the POLD1 protein (p.Ser60Pro). This variant is not present in population databases (gnomAD no frequency). This variant has not been reported in the literature in individuals affected with POLD1-related conditions. ClinVar contains an entry for this variant (Variation ID: 537084). Invitae Evidence Modeling of protein sequence and biophysical properties (such as structural, functional, and spatial information, amino acid conservation, physicochemical variation, residue mobility, and thermodynamic stability) indicates that this missense variant is not expected to disrupt POLD1 protein function with a negative predictive value of 80%. In summary, the available evidence is currently insufficient to determine the role of this variant in disease. Therefore, it has been classified as a Variant of Uncertain Significance.

GeneDx
Classification: Uncertain significance. Last evaluated: 2023-01-19. Review status: criteria provided, single submitter. Criteria: GeneDx Variant Classification Process June 2021. Collection method: clinical testing. Allele origin: germline. Affected: yes.
Comment: Not observed at significant frequency in large population cohorts (gnomAD); In silico analysis supports that this missense variant does not alter protein structure/function; Has not been previously published as pathogenic or benign to our knowledge

NM_002691.4(POLD1):c.178T>C (p.Ser60Pro)

Gene: POLD1 (DNA polymerase delta 1, catalytic subunit; plus strand). Cytogenetic location: 19q13.33.
Variant type: single nucleotide variant.
Coding change: c.178T>C on transcript NM_002691.4 (MANE Select); coding-DNA position 178, T replaced by C.
Protein change: p.Ser60Pro; replaces serine 60 with proline.
Molecular consequence: missense variant. On other transcripts: non-coding transcript variant (1).
Genome position (GRCh38, 1-based): chr19:50,399,029, T>C. VCF-style: chr19-50399029-T-C. GRCh37 (hg19) VCF-style: chr19-50902286-T-C.
Other names: c.178T>C, p.Ser60Pro (NM_001256849.1, NM_001308632.1); c.178T>C (NM_002691.2); short protein forms S60P.
Identifiers: ClinVar variation 537084 (VCV000537084.10), dbSNP rs1555789135, ClinGen allele CA406970319.